The following is an entry in ClinVar:

ClinVar aggregate classification (germline): Conflicting classifications of pathogenicity. Review status: criteria provided, conflicting classifications (1 of 4 stars). 7 submissions from 7 submitters: Uncertain significance (2); Likely benign (4). 1 of the submissions does not count toward it. Last evaluated 2026-01-17.

Conditions:
ADGRV1-related disorder. Also called: ADGRV1-related condition; ADGRV1-related disorders.

Allele frequency attached by ClinVar (database versions not stated): gnomAD exomes 0.00015; gnomAD 0.00066 and 0.00062; ESP Exome Variant Server 0.00059; TOPMed 0.00062; 1000 Genomes Project 30x 0.00016; ExAC 0.00017; 1000 Genomes Project 0.00020.
gnomAD v4.1: 173 of 1,613,862 alleles (0.011%); highest among the groups gnomAD compares: African/African-American, 0.19%; no homozygotes.

Submissions (7):

Labcorp Genetics (formerly Invitae), Labcorp
Classification: Likely benign. Last evaluated: 2026-01-17. Review status: criteria provided, single submitter. Criteria: Invitae Variant Classification Sherloc (09022015). Collection method: clinical testing. Allele origin: germline.

Blueprint Genetics
Classification: Likely benign. Last evaluated: 2024-08-06. Review status: criteria provided, single submitter. Criteria: ACMG Guidelines, 2015. Collection method: clinical testing. Allele origin: germline.

GeneDx
Classification: Likely benign. Last evaluated: 2020-01-31. Review status: criteria provided, single submitter. Criteria: GeneDx Variant Classification Process June 2021. Collection method: clinical testing. Allele origin: germline. Affected: yes.

Athena Diagnostics
Classification: Uncertain significance. Last evaluated: 2018-01-24. Review status: criteria provided, single submitter. Criteria: Athena Diagnostics Criteria. Collection method: clinical testing. Allele origin: germline.

Eurofins Ntd Llc (ga)
Classification: Uncertain significance. Last evaluated: 2017-12-11. Review status: criteria provided, single submitter. Criteria: EGL Classification Definitions 2015. Collection method: clinical testing. Allele origin: germline. Observed: 3 variant alleles, 3 heterozygotes.

Laboratory for Molecular Medicine, Mass General Brigham Personalized Medicine
Classification: Likely benign. Last evaluated: 2017-01-12. Review status: criteria provided, single submitter. Criteria: LMM Criteria. Collection method: clinical testing. Allele origin: germline. Observed: 2 variant alleles.
Comment: p.Gln5059His in exon 74 of GPR98: This variant is not expected to have clinical significance due to a lack of conservation across species, including mammals. Of note, three mammals (Alpaca, Bactrian camel, Cape elephant shrew) have a histid ine (His) at this position. It has been identified in 0.2% (16/9634) of African chromosomes by the Exome Aggregation Consortium (ExAC; dbSNP rs201416399).

PreventionGenetics, part of Exact Sciences
Classification: Likely benign for ADGRV1-related condition. Last evaluated: 2024-08-21. Review status: no assertion criteria provided. Collection method: clinical testing. Allele origin: germline. Not counted in ClinVar's aggregate classification.
Comment: This variant is classified as likely benign based on ACMG/AMP sequence variant interpretation guidelines (Richards et al. 2015 PMID: 25741868, with internal and published modifications).

NM_032119.4(ADGRV1):c.15177G>T (p.Gln5059His)

Gene: ADGRV1 (adhesion G protein-coupled receptor V1; plus strand). Cytogenetic location: 5q14.3.
Variant type: single nucleotide variant.
Coding change: c.15177G>T on transcript NM_032119.4 (MANE Select); coding-DNA position 15177, G replaced by T.
Protein change: p.Gln5059His; replaces glutamine 5059 with histidine.
Molecular consequence: missense variant. On other transcripts: non-coding transcript variant (1).
Genome position (GRCh38, 1-based): chr5:90,810,437, G>T. VCF-style: chr5-90810437-G-T. GRCh37 (hg19) VCF-style: chr5-90106254-G-T.
Other names: short protein forms Q5059H.
Identifiers: ClinVar variation 289414 (VCV000289414.22), dbSNP rs201416399, ClinGen allele CA3341877.
Genomic context (GRCh38, chr5:90,810,437, plus strand): 5'-AGTTTCTTATCAGACCACTGCAGGAAGCGCCAAGCCACTGGAAGATTTTGAGCCTGTTCA[G>T]AATGGGGAACTGTTTTTTCAAAAATTCCAAACTGAGGTTGATTTTGAAATAACCATTATT-3'
Protein context (NP_115495.3, residues 5049-5069): AKPLEDFEPV[Gln5059His]NGELFFQKFQ